The following is an entry in ClinVar:

NM_000219.6(KCNE1):c.*2461A>G

Gene: KCNE1 (potassium voltage-gated channel subfamily E regulatory subunit 1; minus strand). Cytogenetic location: 21q22.12.
Variant type: single nucleotide variant.
Coding change: c.*2461A>G on transcript NM_000219.6 (MANE Select); 2461 bases downstream of the stop codon, A replaced by G.
Molecular consequence: 3 prime UTR variant.
Genome position (GRCh38, 1-based): chr21:34,446,784, T>C on the plus strand (A>G on the coding strand, the complement: KCNE1 is on the minus strand). VCF-style: chr21-34446784-T-C. GRCh37 (hg19) VCF-style: chr21-35819082-T-C.
Other names: c.*2461A>G (NM_001127668.4, NM_001127669.4, NM_001127670.4 and 4 more transcripts).
Identifiers: ClinVar variation 339723 (VCV000339723.6), dbSNP rs13050198, ClinGen allele CA10644561.

ClinVar aggregate classification (germline): Benign. Review status: criteria provided, single submitter (1 of 4 stars). 2 submissions from 1 submitter: Benign (2). Last evaluated 2018-01-13.

Conditions:
Long QT syndrome 5 (LQT5). Identifiers: Orphanet 101016, Orphanet 768, MedGen C1867904, MONDO:0013372, OMIM 613695.
Jervell and Lange-Nielsen syndrome 2 (JLNS2). Identifiers: Orphanet 768, Orphanet 90647, MedGen C2676723, MONDO:0012871, OMIM 612347.

Allele frequency attached by ClinVar (database versions not stated): 1000 Genomes Project 0.05451; gnomAD 0.06850 and 0.07289; 1000 Genomes Project 30x 0.09619.

Submissions (2):

Illumina Laboratory Services, Illumina
Classification: Benign for Long QT syndrome 5. Last evaluated: 2018-01-13. Review status: criteria provided, single submitter. Criteria: ICSL Variant Classification Criteria 13 December 2019. Collection method: clinical testing. Allele origin: germline.
Comment: This variant was observed in the ICSL laboratory as part of a predisposition screen in an ostensibly healthy population. It had not been previously curated by ICSL or reported in the Human Gene Mutation Database (HGMD: prior to June 1st, 2018), and was therefore a candidate for classification through an automated scoring system. Utilizing variant allele frequency, disease prevalence and penetrance estimates, and inheritance mode, an automated score was calculated to assess if this variant is too frequent to cause the disease. Based on the score and internal cut-off values, a variant classified as benign is not then subjected to further curation. The score for this variant resulted in a classification of benign for this disease.

Illumina Laboratory Services, Illumina
Classification: Benign for Jervell and Lange-Nielsen syndrome 2. Last evaluated: 2018-01-13. Review status: criteria provided, single submitter. Criteria: ICSL Variant Classification Criteria 13 December 2019. Collection method: clinical testing. Allele origin: germline.
Comment: the same text as in the submission from Illumina Laboratory Services, Illumina above.